The following is an entry in ClinVar:

ClinVar aggregate classification (germline): Pathogenic. Review status: criteria provided, multiple submitters, no conflicts (2 of 4 stars). 4 submissions from 4 submitters: Pathogenic (3). 1 of the submissions does not count toward it. Last evaluated 2023-05-08.

Conditions:
DeSanto-Shinawi syndrome due to WAC point mutation (DESSH). Also called: DEVELOPMENTAL DELAY, BEHAVIORAL ABNORMALITIES, FACIAL DYSMORPHISM, AND OCULAR ABNORMALITIES; WAC-Related Intellectual Disability; Facial dysmorphism-developmental delay-behavioral abnormalities syndrome due to WAC point mutation. Identifiers: Orphanet 284169, Orphanet 466950, MedGen C5681129, MONDO:0014741, OMIM 616708.
Rare genetic intellectual disability. Identifiers: Orphanet 183757, MedGen C5680527.

Submissions (4):

Genetics Laboratory, UDIAT-Centre Diagnòstic, Hospital Universitari Parc Tauli
Classification: Pathogenic for DeSanto-Shinawi syndrome due to WAC point mutation. Last evaluated: 2023-05-08. Review status: criteria provided, single submitter. Criteria: ACMG Guidelines, 2015. Collection method: clinical testing. Allele origin: unknown. Inheritance: Autosomal dominant inheritance. Affected: yes.
Comment: PVS1_very strong;PM2_supporting;PM6_moderate

GeneDx
Classification: Pathogenic. Last evaluated: 2022-12-08. Review status: criteria provided, single submitter. Criteria: GeneDx Variant Classification Process June 2021. Collection method: clinical testing. Allele origin: germline. Affected: yes.
Comment: Nonsense variant predicted to result in protein truncation or nonsense mediated decay in a gene for which loss-of-function is a known mechanism of disease; Not observed in large population cohorts (gnomAD); Has not been previously published as pathogenic or benign to our knowledge

Laboratoire de Génétique Moléculaire, CHU Bordeaux
Classification: Pathogenic for DeSanto-Shinawi syndrome due to WAC point mutation. Last evaluated: 2021-07-21. Review status: criteria provided, single submitter. Criteria: ACMG Guidelines, 2015. Collection method: clinical testing. Allele origin: germline. Affected: yes.

Service de Génétique Moléculaire, Hôpital Robert Debré
Classification: Likely pathogenic for Rare genetic intellectual disability. Review status: no assertion criteria provided. Collection method: clinical testing. Allele origin: unknown. Affected: yes. Not counted in ClinVar's aggregate classification.

NM_016628.5(WAC):c.451C>T (p.Arg151Ter)

Gene: WAC (WW domain containing adaptor with coiled-coil; plus strand). Cytogenetic location: 10p12.1.
Variant type: single nucleotide variant.
Coding change: c.451C>T on transcript NM_016628.5 (MANE Select); coding-DNA position 451, C replaced by T.
Protein change: p.Arg151Ter; replaces arginine 151 with a stop codon.
Molecular consequence: nonsense.
Genome position (GRCh38, 1-based): chr10:28,589,805, C>T. VCF-style: chr10-28589805-C-T. GRCh37 (hg19) VCF-style: chr10-28878734-C-T.
Other names: c.316C>T, p.Arg106Ter (NM_100264.3); c.451C>T, p.Arg151Ter (NM_100486.4); short protein forms R151*, R106*.
Identifiers: ClinVar variation 280400 (VCV000280400.7), dbSNP rs886041614, ClinGen allele CA10603039.
Genomic context (GRCh38, chr10:28,589,805, plus strand): 5'-TCTGCAGATGACTGGTCTGAGCATATTAGCTCTTCTGGGAAAAAGTACTACTACAATTGT[C>T]GAACAGAAGTTTCACAATGGGAAAAACCAAAAGAGTGGCTTGAAAGGTAATTAGCTTTTA-3'